The following is an entry in ClinVar:

ClinVar aggregate classification (germline): Likely benign (1 of 4 stars; one submission).

gnomAD v4.1: 2 of 1,614,144 alleles (0.00012%); highest among the groups gnomAD compares: Non-Finnish European, 0.000085%; no homozygotes.

Submission:

CeGaT Center for Human Genetics Tuebingen
Classification: Likely benign. Last evaluated: 2026-04-01. Review status: criteria provided, single submitter. Criteria: CeGaT Center For Human Genetics Tuebingen Variant Classification Criteria Version 2. Collection method: clinical testing. Allele origin: germline. Affected: yes. Observed: 1 variant allele.
Comment: VPS13D: BP4, BP7

NM_015378.4(VPS13D):c.5931G>A (p.Val1977=)

Gene: VPS13D (vacuolar protein sorting 13 homolog D; plus strand). Cytogenetic location: 1p36.22.
Variant type: single nucleotide variant.
Coding change: c.5931G>A on transcript NM_015378.4 (MANE Select); coding-DNA position 5931, G replaced by A.
Protein change: p.Val1977=; no amino-acid change (valine 1977 retained).
Molecular consequence: synonymous variant.
Genome position (GRCh38, 1-based): chr1:12,293,602, G>A. VCF-style: chr1-12293602-G-A. GRCh37 (hg19) VCF-style: chr1-12353659-G-A.
Other names: c.5931G>A, p.Val1977= (NM_018156.4).
Identifiers: ClinVar variation 4874623 (VCV004874623.2).